The following is an entry in ClinVar:

ClinVar aggregate classification (germline): Uncertain significance (1 of 4 stars; one submission).

Conditions:
Baller-Gerold syndrome (BGS). Also called: CRANIOSYNOSTOSIS WITH RADIAL DEFECTS. Identifiers: Orphanet 1225, MedGen C0265308, MONDO:0009039, OMIM 218600.

Submission:

Labcorp Genetics (formerly Invitae), Labcorp
Classification: Uncertain significance for Baller-Gerold syndrome. Last evaluated: 2021-09-18. Review status: criteria provided, single submitter. Criteria: Invitae Variant Classification Sherloc (09022015). Collection method: clinical testing. Allele origin: germline.
Comment: In summary, the available evidence is currently insufficient to determine the role of this variant in disease. Therefore, it has been classified as a Variant of Uncertain Significance. Experimental studies and prediction algorithms are not available or were not evaluated, and the functional significance of this variant is currently unknown. This variant has not been reported in the literature in individuals affected with RECQL4-related conditions. This variant is not present in population databases (ExAC no frequency). This sequence change replaces glycine with arginine at codon 283 of the RECQL4 protein (p.Gly283Arg). The glycine residue is moderately conserved and there is a moderate physicochemical difference between glycine and arginine.

NM_004260.4(RECQL4):c.847G>A (p.Gly283Arg)

Gene: RECQL4 (RecQ like helicase 4; minus strand). Cytogenetic location: 8q24.3.
Variant type: single nucleotide variant.
Coding change: c.847G>A on transcript NM_004260.4 (MANE Select); coding-DNA position 847, G replaced by A.
Protein change: p.Gly283Arg; replaces glycine 283 with arginine.
Molecular consequence: missense variant.
Genome position (GRCh38, 1-based): chr8:144,516,272, C>T on the plus strand (G>A on the coding strand, the complement: RECQL4 is on the minus strand). VCF-style: chr8-144516272-C-T. GRCh37 (hg19) VCF-style: chr8-145741656-C-T.
Other names: short protein forms G283R.
Identifiers: ClinVar variation 1481025 (VCV001481025.6), dbSNP rs2130721404, ClinGen allele CA372688965.